The following is an entry in ClinVar:

NM_001009944.3(PKD1):c.*10C>G

Gene: PKD1 (polycystin 1, transient receptor potential channel interacting; minus strand). Cytogenetic location: 16p13.3.
Variant type: single nucleotide variant.
Coding change: c.*10C>G on transcript NM_001009944.3 (MANE Select); 10 bases downstream of the stop codon, C replaced by G.
Molecular consequence: 3 prime UTR variant.
Genome position (GRCh38, 1-based): chr16:2,089,717, G>C on the plus strand (C>G on the coding strand, the complement: PKD1 is on the minus strand). VCF-style: chr16-2089717-G-C. GRCh37 (hg19) VCF-style: chr16-2139718-G-C.
Other names: c.*10C>G (NM_000296.4).
Identifiers: ClinVar variation 3047625 (VCV003047625.2), dbSNP rs764028522, ClinGen allele CA2202039262.

ClinVar aggregate classification (germline): Likely benign (0 of 4 stars; one submission).

Conditions:
PKD1-related disorder. Also called: PKD1-related condition.

Submission:

PreventionGenetics, part of Exact Sciences
Classification: Likely benign for PKD1-related condition. Last evaluated: 2024-02-28. Review status: no assertion criteria provided. Collection method: clinical testing. Allele origin: germline.
Comment: This variant is classified as likely benign based on ACMG/AMP sequence variant interpretation guidelines (Richards et al. 2015 PMID: 25741868, with internal and published modifications).